The following is an entry in ClinVar:

NM_014915.3(ANKRD26):c.4118A>G (p.Lys1373Arg)

Gene: ANKRD26 (ankyrin repeat domain containing 26; minus strand). Cytogenetic location: 10p12.1.
Variant type: single nucleotide variant.
Coding change: c.4118A>G on transcript NM_014915.3 (MANE Select); coding-DNA position 4118, A replaced by G.
Protein change: p.Lys1373Arg; replaces lysine 1373 with arginine.
Molecular consequence: missense variant.
Genome position (GRCh38, 1-based): chr10:27,022,655, T>C on the plus strand (A>G on the coding strand, the complement: ANKRD26 is on the minus strand). VCF-style: chr10-27022655-T-C. GRCh37 (hg19) VCF-style: chr10-27311584-T-C.
Other names: c.4115A>G, p.Lys1372Arg (NM_001256053.2); short protein forms K1372R, K1373R.
Identifiers: ClinVar variation 3870453 (VCV003870453.1).

ClinVar aggregate classification (germline): Uncertain significance (1 of 4 stars; one submission).

Conditions:
Inborn genetic diseases. Identifiers: MedGen C0950123, MeSH D030342.

Submission:

Ambry Genetics
Classification: Uncertain significance for Inborn genetic diseases. Last evaluated: 2025-01-13. Review status: criteria provided, single submitter. Criteria: Ambry Variant Classification Scheme 2023. Collection method: clinical testing. Allele origin: germline.
Comment: The p.K1373R variant (also known as c.4118A>G), located in coding exon 29 of the ANKRD26 gene, results from an A to G substitution at nucleotide position 4118. The lysine at codon 1373 is replaced by arginine, an amino acid with highly similar properties. This amino acid position is conserved. In addition, this alteration is predicted to be tolerated by in silico analysis. Based on the available evidence, the clinical significance of this variant remains unclear.